The following is an entry in ClinVar:

NM_018127.7(ELAC2):c.1928G>A (p.Arg643Gln)

Gene: ELAC2 (elaC ribonuclease Z 2; minus strand). Cytogenetic location: 17p12.
Variant type: single nucleotide variant.
Coding change: c.1928G>A on transcript NM_018127.7 (MANE Select); coding-DNA position 1928, G replaced by A.
Protein change: p.Arg643Gln; replaces arginine 643 with glutamine.
Molecular consequence: missense variant.
Genome position (GRCh38, 1-based): chr17:12,994,865, C>T on the plus strand (G>A on the coding strand, the complement: ELAC2 is on the minus strand). VCF-style: chr17-12994865-C-T. GRCh37 (hg19) VCF-style: chr17-12898182-C-T.
Other names: c.1808G>A, p.Arg603Gln (NM_001165962.2); c.1925G>A, p.Arg642Gln (NM_173717.2); short protein forms R643Q, R642Q, R603Q.
Identifiers: ClinVar variation 1443741 (VCV001443741.6), dbSNP rs199545091, ClinGen allele CA8400999.

ClinVar aggregate classification (germline): Uncertain significance (1 of 4 stars; one submission).

Conditions:
Combined oxidative phosphorylation defect type 17. Also called: Combined oxidative phosphorylation deficiency 17. Identifiers: Orphanet 369913, MedGen C3809526, MONDO:0014190, OMIM 615440.

Allele frequency attached by ClinVar (database versions not stated): ESP Exome Variant Server 0.00008; 1000 Genomes Project 30x 0.00016; 1000 Genomes Project 0.00020.
gnomAD v4.1: 106 of 1,614,084 alleles (0.0066%); highest among the groups gnomAD compares: East Asian, 0.19%; no homozygotes.

Submission:

Labcorp Genetics (formerly Invitae), Labcorp
Classification: Uncertain significance for Combined oxidative phosphorylation defect type 17. Last evaluated: 2024-10-16. Review status: criteria provided, single submitter. Criteria: Invitae Variant Classification Sherloc (09022015). Collection method: clinical testing. Allele origin: germline.
Comment: This sequence change replaces arginine, which is basic and polar, with glutamine, which is neutral and polar, at codon 643 of the ELAC2 protein (p.Arg643Gln). This variant is present in population databases (rs199545091, gnomAD 0.1%). This variant has not been reported in the literature in individuals affected with ELAC2-related conditions. ClinVar contains an entry for this variant (Variation ID: 1443741). Invitae Evidence Modeling of protein sequence and biophysical properties (such as structural, functional, and spatial information, amino acid conservation, physicochemical variation, residue mobility, and thermodynamic stability) indicates that this missense variant is not expected to disrupt ELAC2 protein function with a negative predictive value of 80%. In summary, the available evidence is currently insufficient to determine the role of this variant in disease. Therefore, it has been classified as a Variant of Uncertain Significance.